The following is an entry in ClinVar:

NM_000051.4(ATM):c.6672_6680delinsCTC (p.Met2224_Arg2227delinsIleSer)

Genes: ATM (ATM serine/threonine kinase; plus strand), C11orf65 (chromosome 11 open reading frame 65; minus strand). Cytogenetic location: 11q22.3.
Variant type: Indel.
Coding change: c.6672_6680delinsCTC on transcript NM_000051.4 (MANE Select); coding-DNA positions 6672 to 6680, GGCTCTACG replaced by CTC.
Protein change: p.Met2224_Arg2227delinsIleSer.
Molecular consequence: inframe indel. On other transcripts: intron variant (2).
Genome position (GRCh38, 1-based): chr11:108,325,409-108,325,417, GGCTCTACG replaced by CTC. VCF-style: chr11-108325409-GGCTCTACG-CTC. GRCh37 (hg19) VCF-style: chr11-108196136-GGCTCTACG-CTC.
Other names: p.Met2224_Arg2227delinsIleSer; c.6672_6680delinsCTC, p.Met2224_Arg2227delinsIleSer (NM_001351834.2); c.641-16346_641-16338delinsGAG (NM_001330368.2); c.*38+9803_*38+9811delinsGAG (NM_001351110.2); c.6672_6680delinsCTC (NM_000051.3).
Identifiers: ClinVar variation 826547 (VCV000826547.14), dbSNP rs1591129041, ClinGen allele CA915947667.

ClinVar aggregate classification (germline): Pathogenic/Likely pathogenic. Review status: criteria provided, multiple submitters, no conflicts (2 of 4 stars). 5 submissions from 5 submitters: Pathogenic (2); Likely pathogenic (3). Last evaluated 2026-10-31.

Conditions:
Hereditary cancer-predisposing syndrome. Also called: Tumor predisposition; Neoplastic Syndromes, Hereditary; Hereditary Cancer Syndrome; Hereditary neoplastic syndrome. Identifiers: Orphanet 140162, MedGen C0027672, MeSH D009386, MONDO:0015356.
Familial cancer of breast. Also called: Hereditary breast cancer; BREAST CANCER, FAMILIAL; hereditary breast carcinoma. Identifiers: Orphanet 227535, MedGen C0346153, MONDO:0016419, OMIM 114480. Disease mechanism: loss of function.
Ataxia-telangiectasia syndrome (AT). Also called: ATAXIA-TELANGIECTASIA, COMPLEMENTATION GROUP A; ATAXIA-TELANGIECTASIA, FRESNO VARIANT; Ataxia-telangiectasia; Ataxia-telangiectasia, complementation group D; AT, COMPLEMENTATION GROUP C; Ataxia-telangiectasia, complementation group E. Identifiers: Orphanet 100, MedGen C0004135, MONDO:0008840, OMIM 208900.

Submissions (5):

Department of Molecular Genetics, Istishari Arab Hospital
Classification: Pathogenic for Ataxia-telangiectasia syndrome. Last evaluated: 2026-10-31. Review status: criteria provided, single submitter. Criteria: ACMG Guidelines, 2015. Collection method: clinical testing. Allele origin: germline. Inheritance: Autosomal recessive inheritance. Affected: yes.
Comment: The ATM variant c.6672_6680delinsCTC, p.Met2224_Arg2227delinsIleSer, comprises two closely spaced deletions occurring in cis, c.[6672_6673del;6677_6680del]. Their combined effect replaces four amino acids with two while preserving the downstream reading frame. This allele was previously reported as 6672delGG/6677delTACG in individuals with ataxia-telangiectasia and subsequently described as a founder allele in Druze families (PMID: 10425038, 15164409). It is classified as pathogenic based on the implementation of ACMG/AMP/ClinGen SVI guidelines.

Labcorp Genetics (formerly Invitae), Labcorp
Classification: Pathogenic for Ataxia-telangiectasia syndrome. Last evaluated: 2026-01-16. Review status: criteria provided, single submitter. Criteria: Invitae Variant Classification Sherloc (09022015). Collection method: clinical testing. Allele origin: germline.
Comment: This variant, c.6672_6680delinsCTC, is a complex sequence change that results in the deletion of 4 and insertion of 2 amino acid(s) in the ATM protein (p.Met2224_Arg2227delinsIleSer). Information on the frequency of this variant in the gnomAD database is not available, as this variant may be reported differently in the database. This variant has been observed in individuals with ataxia telangiectasia (PMID: 10425038, 15164409). It has also been observed to segregate with disease in related individuals. This variant is also known as 6672 del GG/6677 del TACG. This variant disrupts a region of the ATM protein in which other variant(s) (p.Arg2227Cys) have been determined to be pathogenic (PMID: 12552559, 15843990, 16380133, 18504682, 18634022, 19691550, 22213089, 23264026, 23640770). This suggests that this is a clinically significant region of the protein, and that variants that disrupt it are likely to be disease-causing. For these reasons, this variant has been classified as Pathogenic.

Ambry Genetics
Classification: Likely pathogenic for Hereditary cancer-predisposing syndrome. Last evaluated: 2025-02-20. Review status: criteria provided, single submitter. Criteria: Ambry Variant Classification Scheme 2023. Collection method: clinical testing. Allele origin: germline.
Comment: The c.6672_6680delGGCTCTACGinsCTC variant (also known as p.M2224_R2227delinsIS), located in coding exon 45 of the ATM gene, results from an in-frame deletion of GGCTCTACG and insertion of CTC at nucleotide positions 6672 to 6680. This alteration has been reported (designated as "6672delGG/6677delTACG") in multiple patients with a clinical diagnosis of Ataxia telangiectasia (A-T) from the Druze population (Castellv&iacute;-Bel S et al. Hum. Mutat., 1999;14:156-62; Fares F et al. Prenat. Diagn., 2004 May;24:358-62). This amino acid region is well conserved in available vertebrate species. This variant is considered to be rare based on population cohorts in the Genome Aggregation Database (gnomAD). Based on the majority of available evidence to date, this variant is likely to be pathogenic.

Natera, Inc.
Classification: Likely pathogenic for Ataxia-telangiectasia. Last evaluated: 2024-09-30. Review status: criteria provided, single submitter. Criteria: Natera Variant Classification Schema (03/2026). Collection method: clinical testing. Allele origin: germline.
Comment: The c.6672_6680delinsCTC variant in ATM is a deletion-insertion (delins) variant predicted to replace one or more nucleotides with a different sequence. This variant is rare in the general population with a frequency below the threshold expected for the associated phenotype(s). This variant has been observed in one or more individuals affected with the associated recessive disease, as either homozygous or compound heterozygous with a second variant (PMID: 10425038, 15164409). This variant results in a change to the protein length while preserving reading frame, which may disrupt normal protein structure or function. Computational prediction algorithms indicate this variant is likely to affect gene or protein function. Given the available evidence, this variant is classified as Likely Pathogenic.

KCCC/NGS Laboratory, Kuwait Cancer Control Center
Classification: Likely pathogenic for Familial cancer of breast. Last evaluated: 2023-07-07. Review status: criteria provided, single submitter. Criteria: ACMG Guidelines, 2015. Collection method: clinical testing. Allele origin: unknown. Affected: yes.
Comment: This variant, c.6672_6680delinsCTC, is a complex sequence change that results in the deletion of 4 and insertion of 2 amino acids in the ATM protein (p.Met2224_Arg2227delinsIleSer). This variant is not present in population databases (gnomAD). This variant is also known in the literature as 6672 del GG/6677 del TACG. This variant disrupts the p.Arg2227 amino acid residue in ATM. Other variant(s) that disrupt this residue have been determined to be pathogenic (PMID: 12552559, 15843990, 16380133, 19691550, 23264026, 23640770, 18504682, 22213089, 18634022). This suggests that this residue is clinically significant, and that variants that disrupt this residue are likely to be disease-causing. In summary, the currently available evidence indicates that the variant is pathogenic, but additional data are needed to prove that conclusively. Therefore, this variant has been classified as Likely Pathogenic.

Literature cited by the submitters: PubMed 10425038 (cited by 4 submitters); PubMed 15164409 (cited by 4 submitters); PubMed 12552559 (cited by Labcorp Genetics (formerly Invitae), Labcorp); PubMed 15843990 (cited by Labcorp Genetics (formerly Invitae), Labcorp); PubMed 16380133 (cited by Labcorp Genetics (formerly Invitae), Labcorp); PubMed 18504682 (cited by Labcorp Genetics (formerly Invitae), Labcorp); PubMed 18634022 (cited by Labcorp Genetics (formerly Invitae), Labcorp); PubMed 19691550 (cited by Labcorp Genetics (formerly Invitae), Labcorp); PubMed 22213089 (cited by Labcorp Genetics (formerly Invitae), Labcorp); PubMed 23264026 (cited by Labcorp Genetics (formerly Invitae), Labcorp); PubMed 23640770 (cited by Labcorp Genetics (formerly Invitae), Labcorp).